The following is an entry in ClinVar:

ClinVar aggregate classification (germline): Conflicting classifications of pathogenicity. Review status: criteria provided, conflicting classifications (1 of 4 stars). 3 submissions from 3 submitters: Uncertain significance (1); Likely benign (2). Last evaluated 2025-12-16.

Conditions:
Cardiovascular phenotype. Identifiers: MedGen CN230736.
Brugada syndrome. Also called: Sudden unexpected nocturnal death syndrome; Sudden unexplained nocturnal death syndrome; Sudden Unexplained Death Syndrome; Sudden Unexplained Nocturnal Death Syndrome (SUNDS). Identifiers: Orphanet 130, MedGen C1142166, MONDO:0015263.

Allele frequency attached by ClinVar (database versions not stated): TOPMed 0.00001; gnomAD 0.00005; gnomAD exomes 0.00006; ExAC 0.00011; 1000 Genomes Project 30x 0.00031; 1000 Genomes Project 0.00040.
gnomAD v4.1: 91 of 1,613,834 alleles (0.0056%); highest among the groups gnomAD compares: South Asian, 0.091%; no homozygotes.

Submissions (3):

Women's Health and Genetics/Laboratory Corporation of America, LabCorp
Classification: Uncertain significance. Last evaluated: 2025-12-16. Review status: criteria provided, single submitter. Criteria: LabCorp Variant Classification Summary - May 2015. Collection method: clinical testing. Allele origin: germline.
Comment: Variant summary: SCN10A c.731A>G (p.Lys244Arg) results in a conservative amino acid change in the encoded protein sequence. Algorithms developed to predict the effect of missense changes on protein structure and function all suggest that this variant is likely to be tolerated. The variant allele was found at a frequency of 9.6e-05 in 251020 control chromosomes. This frequency is not significantly higher than estimated for disease-causing variants in SCN10A, allowing no conclusion about variant significance. To our knowledge, no occurrence of c.731A>G in individuals affected with SCN10A-related conditions and no experimental evidence demonstrating its impact on protein function have been reported. ClinVar contains an entry for this variant (Variation ID: 1758295). Based on the evidence outlined above, the variant was classified as uncertain significance.

Labcorp Genetics (formerly Invitae), Labcorp
Classification: Likely benign for Brugada syndrome. Last evaluated: 2025-06-03. Review status: criteria provided, single submitter. Criteria: Invitae Variant Classification Sherloc (09022015). Collection method: clinical testing. Allele origin: germline.

Ambry Genetics
Classification: Likely benign for Cardiovascular phenotype. Last evaluated: 2022-04-03. Review status: criteria provided, single submitter. Criteria: Ambry Variant Classification Scheme 2023. Collection method: clinical testing. Allele origin: germline.

NM_006514.4(SCN10A):c.731A>G (p.Lys244Arg)

Gene: SCN10A (sodium voltage-gated channel alpha subunit 10; minus strand). Cytogenetic location: 3p22.2.
Variant type: single nucleotide variant.
Coding change: c.731A>G on transcript NM_006514.4 (MANE Select); coding-DNA position 731, A replaced by G.
Protein change: p.Lys244Arg; replaces lysine 244 with arginine.
Molecular consequence: missense variant.
Genome position (GRCh38, 1-based): chr3:38,761,344, T>C on the plus strand (A>G on the coding strand, the complement: SCN10A is on the minus strand). VCF-style: chr3-38761344-T-C. GRCh37 (hg19) VCF-style: chr3-38802835-T-C.
Other names: c.731A>G, p.Lys244Arg (NM_001293306.2, NM_001293307.2); short protein forms K244R.
Identifiers: ClinVar variation 1758295 (VCV001758295.8), dbSNP rs576999040, ClinGen allele CA2321084.